The following is an entry in ClinVar:

NM_002203.4(ITGA2):c.2571+15C>G

Gene: ITGA2 (integrin subunit alpha 2; plus strand). Cytogenetic location: 5q11.2.
Variant type: single nucleotide variant.
Coding change: c.2571+15C>G on transcript NM_002203.4 (MANE Select); 15 bases into the intron after coding-DNA position 2571, C replaced by G.
Molecular consequence: intron variant.
Genome position (GRCh38, 1-based): chr5:53,073,274, C>G. VCF-style: chr5-53073274-C-G. GRCh37 (hg19) VCF-style: chr5-52369104-C-G.
Identifiers: ClinVar variation 907937 (VCV000907937.4), dbSNP rs534251174, ClinGen allele CA3263228.

ClinVar aggregate classification (germline): Likely benign (1 of 4 stars; one submission).

Conditions:
Platelet-type bleeding disorder 9 (BDPLT9). Also called: GLYCOPROTEIN Ia DEFICIENCY; GP Ia DEFICIENCY; COLLAGEN PLATELET RECEPTOR DEFICIENCY. Identifiers: Orphanet 73271, Orphanet 98886, MedGen C3280114, MONDO:0013622, OMIM 614200.

Allele frequency attached by ClinVar (database versions not stated): gnomAD 0.00001; TOPMed 0.00001; gnomAD exomes 0.00003.
gnomAD v4.1: 36 of 1,611,402 alleles (0.0022%); highest among the groups gnomAD compares: Admixed American, 0.0033%; no homozygotes.

Submission:

Illumina Laboratory Services, Illumina
Classification: Likely benign for Platelet-type bleeding disorder 9. Last evaluated: 2018-01-13. Review status: criteria provided, single submitter. Criteria: ICSL Variant Classification Criteria 13 December 2019. Collection method: clinical testing. Allele origin: germline.
Comment: This variant was observed in the ICSL laboratory as part of a predisposition screen in an ostensibly healthy population. It had not been previously curated by ICSL or reported in the Human Gene Mutation Database (HGMD: prior to June 1st, 2018), and was therefore a candidate for classification through an automated scoring system. Utilizing variant allele frequency, disease prevalence and penetrance estimates, and inheritance mode, an automated score was calculated to assess if this variant is too frequent to cause the disease. Based on the score and internal cut-off values, a variant classified as likely benign is not then subjected to further curation. The score for this variant resulted in a classification of likely benign for this disease.